The following is an entry in ClinVar:

NM_005472.5(KCNE3):c.157C>T (p.Arg53Cys)

Gene: KCNE3 (potassium voltage-gated channel subfamily E regulatory subunit 3; minus strand). Cytogenetic location: 11q13.4.
Variant type: single nucleotide variant.
Coding change: c.157C>T on transcript NM_005472.5 (MANE Select); coding-DNA position 157, C replaced by T.
Protein change: p.Arg53Cys; replaces arginine 53 with cysteine.
Molecular consequence: missense variant.
Genome position (GRCh38, 1-based): chr11:74,457,407, G>A on the plus strand (C>T on the coding strand, the complement: KCNE3 is on the minus strand). VCF-style: chr11-74457407-G-A. GRCh37 (hg19) VCF-style: chr11-74168452-G-A.
Other names: short protein forms R53C.
Identifiers: ClinVar variation 2044398 (VCV002044398.7), dbSNP rs371666083, ClinGen allele CA6184844.

ClinVar aggregate classification (germline): Uncertain significance. Review status: criteria provided, multiple submitters, no conflicts (2 of 4 stars). 2 submissions from 2 submitters: Uncertain significance (2). Last evaluated 2026-07-29.

Conditions:
Cardiovascular phenotype. Identifiers: MedGen CN230736.
Brugada syndrome 6 (BRGDA6). Identifiers: Orphanet 130, MedGen C2751089, MONDO:0013145, OMIM 613119.

Allele frequency attached by ClinVar (database versions not stated): gnomAD exomes 0.00003; ESP Exome Variant Server 0.00008; TOPMed 0.00002; ExAC 0.00002; gnomAD 0.00002.
gnomAD v4.1: 43 of 1,613,632 alleles (0.0027%); highest among the groups gnomAD compares: Non-Finnish European, 0.0034%; no homozygotes.

Submissions (2):

Ambry Genetics
Classification: Uncertain significance for Cardiovascular phenotype. Last evaluated: 2026-07-29. Review status: criteria provided, single submitter. Criteria: Ambry Variant Classification Scheme 2023. Collection method: clinical testing. Allele origin: germline.
Comment: The p.R53C variant (also known as c.157C>T), located in coding exon 1 of the KCNE3 gene, results from a C to T substitution at nucleotide position 157. The arginine at codon 53 is replaced by cysteine, an amino acid with highly dissimilar properties. This amino acid position is highly conserved in available vertebrate species. In addition, the in silico prediction for this alteration is inconclusive. The evidence for this gene-disease relationship is limited; therefore, the clinical significance of this variant is unclear.

Labcorp Genetics (formerly Invitae), Labcorp
Classification: Uncertain significance for Brugada syndrome 6. Last evaluated: 2025-11-13. Review status: criteria provided, single submitter. Criteria: Invitae Variant Classification Sherloc (09022015). Collection method: clinical testing. Allele origin: germline.
Comment: This sequence change replaces arginine, which is basic and polar, with cysteine, which is neutral and slightly polar, at codon 53 of the KCNE3 protein (p.Arg53Cys). This variant is present in population databases (rs371666083, gnomAD 0.005%). This variant has not been reported in the literature in individuals affected with KCNE3-related conditions. ClinVar contains an entry for this variant (Variation ID: 2044398). An algorithm developed to predict the effect of missense changes on protein structure and function (PolyPhen-2) suggests that this variant is likely to be disruptive. In summary, the available evidence is currently insufficient to determine the role of this variant in disease. Therefore, it has been classified as a Variant of Uncertain Significance.